The following is an entry in ClinVar:

NM_015272.5(RPGRIP1L):c.3836-309G>A

Gene: RPGRIP1L (RPGRIP1 like; minus strand). Cytogenetic location: 16q12.2.
Variant type: single nucleotide variant.
Coding change: c.3836-309G>A on transcript NM_015272.5 (MANE Select); 309 bases into the intron before coding-DNA position 3836, G replaced by A.
Molecular consequence: intron variant.
Genome position (GRCh38, 1-based): chr16:53,602,497, C>T on the plus strand (G>A on the coding strand, the complement: RPGRIP1L is on the minus strand). VCF-style: chr16-53602497-C-T. GRCh37 (hg19) VCF-style: chr16-53636409-C-T.
Other names: c.3596-309G>A (NM_001127897.4); c.3734-309G>A (NM_001330538.2); c.3698-309G>A (NM_001308334.3).
Identifiers: ClinVar variation 671910 (VCV000671910.1), dbSNP rs4784321, ClinGen allele CA14298583.

ClinVar aggregate classification (germline): Benign (1 of 4 stars; one submission).

Allele frequency attached by ClinVar (database versions not stated): gnomAD 0.32856 and 0.33006; TOPMed 0.33995; 1000 Genomes Project 0.37600; 1000 Genomes Project 30x 0.37789.
gnomAD v4.1: 49,768 of 151,974 alleles (33%); highest among the groups gnomAD compares: African/African-American, 58%; 10,090 homozygotes.

Submission:

GeneDx
Classification: Benign. Last evaluated: 2018-06-19. Review status: criteria provided, single submitter. Criteria: GeneDx Variant Classification (06012015). Collection method: clinical testing. Allele origin: germline. Affected: yes.
Comment: This variant is considered likely benign or benign based on one or more of the following criteria: it is a conservative change, it occurs at a poorly conserved position in the protein, it is predicted to be benign by multiple in silico algorithms, and/or has population frequency not consistent with disease.